The following is an entry in ClinVar:

ClinVar aggregate classification (germline): Uncertain significance. Review status: criteria provided, multiple submitters, no conflicts (2 of 4 stars). 5 submissions from 5 submitters: Uncertain significance (5). Last evaluated 2025-10-27.

Conditions:
Cardiovascular phenotype. Identifiers: MedGen CN230736.
Catecholaminergic polymorphic ventricular tachycardia (CVPT). Also called: Catecholamine-induced polymorphic ventricular tachycardia. Identifiers: Orphanet 3286, MedGen C5574922, MONDO:0017990.
Cardiomyopathy (CMYO). Also called: Cardiomyopathies. Identifiers: Orphanet 167848, MedGen C0878544, MONDO:0004994, HP:0001638. Inheritance: Various modes of inheritance.
Catecholaminergic polymorphic ventricular tachycardia 1. Also called: VENTRICULAR TACHYCARDIA, CATECHOLAMINERGIC POLYMORPHIC, 1, WITH OR WITHOUT ATRIAL DYSFUNCTION AND/OR DILATED CARDIOMYOPATHY; RYR2-Related Catecholaminergic Polymorphic Ventricular Tachycardia; VENTRICULAR TACHYCARDIA, STRESS-INDUCED POLYMORPHIC 1. Identifiers: Orphanet 3286, MedGen C1631597, MONDO:0011484, OMIM 604772.

Allele frequency attached by ClinVar (database versions not stated): gnomAD exomes below 0.00001 and 0.00002; ExAC 0.00001; TOPMed 0.00005.
gnomAD v4.1: 37 of 1,613,888 alleles (0.0023%); highest among the groups gnomAD compares: Non-Finnish European, 0.0028%; no homozygotes.

Submissions (5):

Labcorp Genetics (formerly Invitae), Labcorp
Classification: Uncertain significance for Catecholaminergic polymorphic ventricular tachycardia 1. Last evaluated: 2025-10-27. Review status: criteria provided, single submitter. Criteria: Invitae Variant Classification Sherloc (09022015). Collection method: clinical testing. Allele origin: germline.
Comment: This sequence change replaces glutamine, which is neutral and polar, with proline, which is neutral and non-polar, at codon 1762 of the RYR2 protein (p.Gln1762Pro). This variant is present in population databases (rs772846797, gnomAD 0.0009%). This variant has not been reported in the literature in individuals affected with RYR2-related conditions. ClinVar contains an entry for this variant (Variation ID: 920698). Invitae Evidence Modeling of protein sequence and biophysical properties (such as structural, functional, and spatial information, amino acid conservation, physicochemical variation, residue mobility, and thermodynamic stability) indicates that this missense variant is not expected to disrupt RYR2 protein function with a negative predictive value of 95%. In summary, the available evidence is currently insufficient to determine the role of this variant in disease. Therefore, it has been classified as a Variant of Uncertain Significance.

Ambry Genetics
Classification: Uncertain significance for Cardiovascular phenotype. Last evaluated: 2025-07-10. Review status: criteria provided, single submitter. Criteria: Ambry Variant Classification Scheme 2023. Collection method: clinical testing. Allele origin: germline.
Comment: The p.Q1762P variant (also known as c.5285A>C), located in coding exon 37 of the RYR2 gene, results from an A to C substitution at nucleotide position 5285. The glutamine at codon 1762 is replaced by proline, an amino acid with similar properties. This amino acid position is not well conserved in available vertebrate species. In addition, this alteration is predicted to be tolerated by in silico analysis. Based on the available evidence, the clinical significance of this variant remains unclear.

GeneDx
Classification: Uncertain significance. Last evaluated: 2024-05-24. Review status: criteria provided, single submitter. Criteria: GeneDx Variant Classification Process June 2021. Collection method: clinical testing. Allele origin: germline. Affected: yes.
Comment: Not observed at significant frequency in large population cohorts (gnomAD); In silico analysis supports that this missense variant has a deleterious effect on protein structure/function; Has not been previously published as pathogenic or benign to our knowledge; Not located in one of the three hot-spot regions of the RYR2 gene, where the majority of pathogenic missense variants occur (PMID: 19926015); This variant is associated with the following publications: (PMID: 19926015)

All of Us Research Program, National Institutes of Health
Classification: Uncertain significance for Catecholaminergic polymorphic ventricular tachycardia. Last evaluated: 2024-01-11. Review status: criteria provided, single submitter. Criteria: ACMG Guidelines, 2015. Collection method: clinical testing. Allele origin: germline. Inheritance: Autosomal dominant inheritance. Observed: 1 variant allele, 1 heterozygote.
Comment: This missense variant replaces glutamine with proline at codon 1762 of the RYR2 protein. Computational prediction tools and conservation analyses are inconclusive regarding the impact of this variant on the protein function. Computational splicing tools suggest that this variant may not impact RNA splicing. To our knowledge, functional assays have not been performed for this variant nor has this variant been reported in individuals affected with cardiovascular disorders in the literature. This variant has been identified in 1/248998 chromosomes in the general population by the Genome Aggregation Database (gnomAD). Available evidence is insufficient to determine the role of this variant in disease conclusively. Therefore, this variant is classified as a Variant of Uncertain Significance.

This study involves interpretation of variants in research participants for the purpose of population health screening. Participant phenotype was not available at the time of variant classification. Additional details can be found in publication PMID: 35346344, PMCID: PMC8962531

Color Diagnostics, LLC DBA Color Health
Classification: Uncertain significance for Cardiomyopathy. Last evaluated: 2023-12-05. Review status: criteria provided, single submitter. Criteria: ACMG Guidelines, 2015. Collection method: clinical testing. Allele origin: germline.
Comment: This missense variant replaces glutamine with proline at codon 1762 of the RYR2 protein. Computational prediction tools and conservation analyses are inconclusive regarding the impact of this variant on the protein function. Computational splicing tools suggest that this variant may not impact RNA splicing. To our knowledge, functional assays have not been performed for this variant nor has this variant been reported in individuals affected with cardiovascular disorders in the literature. This variant has been identified in 1/248998 chromosomes in the general population by the Genome Aggregation Database (gnomAD). Available evidence is insufficient to determine the role of this variant in disease conclusively. Therefore, this variant is classified as a Variant of Uncertain Significance.

NM_001035.3(RYR2):c.5285A>C (p.Gln1762Pro)

Gene: RYR2 (ryanodine receptor 2; plus strand). Cytogenetic location: 1q43.
Variant type: single nucleotide variant.
Coding change: c.5285A>C on transcript NM_001035.3 (MANE Select); coding-DNA position 5285, A replaced by C.
Protein change: p.Gln1762Pro; replaces glutamine 1762 with proline.
Molecular consequence: missense variant.
Genome position (GRCh38, 1-based): chr1:237,614,413, A>C. VCF-style: chr1-237614413-A-C. GRCh37 (hg19) VCF-style: chr1-237777713-A-C.
Other names: c.5285A>C (NM_001035.2); short protein forms Q1762P.
Identifiers: ClinVar variation 920698 (VCV000920698.10), dbSNP rs772846797, ClinGen allele CA086865.